The following is an entry in ClinVar:

NM_000245.4(MET):c.3509G>C (p.Arg1170Pro)

Gene: MET (MET proto-oncogene, receptor tyrosine kinase; plus strand). Cytogenetic location: 7q31.2.
Variant type: single nucleotide variant.
Coding change: c.3509G>C on transcript NM_000245.4 (MANE Select); coding-DNA position 3509, G replaced by C.
Protein change: p.Arg1170Pro; replaces arginine 1170 with proline.
Molecular consequence: missense variant.
Genome position (GRCh38, 1-based): chr7:116,778,944, G>C. VCF-style: chr7-116778944-G-C. GRCh37 (hg19) VCF-style: chr7-116418998-G-C.
Other names: c.3563G>C, p.Arg1188Pro (NM_001127500.3); c.2219G>C, p.Arg740Pro (NM_001324402.2); short protein forms R740P, R1188P, R1170P.
Identifiers: ClinVar variation 1370387 (VCV001370387.8), dbSNP rs369838973, ClinGen allele CA368990341.

ClinVar aggregate classification (germline): Uncertain significance (1 of 4 stars; one submission).

Conditions:
Renal cell carcinoma. Identifiers: Orphanet 217071, MedGen C0007134, MeSH D002292, MONDO:0005086, HP:0005584.

Submission:

Labcorp Genetics (formerly Invitae), Labcorp
Classification: Uncertain significance for Renal cell carcinoma. Last evaluated: 2021-02-07. Review status: criteria provided, single submitter. Criteria: Invitae Variant Classification Sherloc (09022015). Collection method: clinical testing. Allele origin: germline.
Comment: This sequence change replaces arginine with proline at codon 1188 of the MET protein (p.Arg1188Pro). The arginine residue is highly conserved and there is a moderate physicochemical difference between arginine and proline. This variant is not present in population databases (ExAC no frequency). In summary, the available evidence is currently insufficient to determine the role of this variant in disease. Therefore, it has been classified as a Variant of Uncertain Significance. Algorithms developed to predict the effect of missense changes on protein structure and function are either unavailable or do not agree on the potential impact of this missense change (SIFT: "Deleterious"; PolyPhen-2: "Probably Damaging"; Align-GVGD: "Class C0"). This variant has not been reported in the literature in individuals with MET-related conditions.